The following is an entry in ClinVar:

NM_003072.5(SMARCA4):c.1306G>A (p.Ala436Thr)

Gene: SMARCA4 (SWI/SNF related BAF chromatin remodeling complex subunit ATPase 4; plus strand). Cytogenetic location: 19p13.2.
Variant type: single nucleotide variant.
Coding change: c.1306G>A on transcript NM_003072.5 (MANE Select); coding-DNA position 1306, G replaced by A.
Protein change: p.Ala436Thr; replaces alanine 436 with threonine.
Molecular consequence: missense variant. On other transcripts: non-coding transcript variant (1).
Genome position (GRCh38, 1-based): chr19:10,991,210, G>A. VCF-style: chr19-10991210-G-A. GRCh37 (hg19) VCF-style: chr19-11101886-G-A.
Other names: c.1306G>A, p.Ala436Thr (NM_001128844.3, NM_001128845.2, NM_001128846.2 and 4 more transcripts); short protein forms A436T.
Identifiers: ClinVar variation 838775 (VCV000838775.12), dbSNP rs2086530559, ClinGen allele CA404060686.

ClinVar aggregate classification (germline): Uncertain significance. Review status: criteria provided, multiple submitters, no conflicts (2 of 4 stars). 3 submissions from 3 submitters: Uncertain significance (3). Last evaluated 2024-02-09.

Conditions:
Rhabdoid tumor predisposition syndrome 2 (RTPS2). Identifiers: Orphanet 231108, Orphanet 69077, MedGen C2750074, MONDO:0013224, OMIM 613325.
Hereditary cancer-predisposing syndrome. Also called: Neoplastic Syndromes, Hereditary; Tumor predisposition; Hereditary neoplastic syndrome; Hereditary Cancer Syndrome. Identifiers: Orphanet 140162, MedGen C0027672, MeSH D009386, MONDO:0015356.

Submissions (3):

Ambry Genetics
Classification: Uncertain significance for Hereditary cancer-predisposing syndrome. Last evaluated: 2024-02-09. Review status: criteria provided, single submitter. Criteria: Ambry Variant Classification Scheme 2023. Collection method: clinical testing. Allele origin: germline.
Comment: The p.A436T variant (also known as c.1306G>A), located in coding exon 7 of the SMARCA4 gene, results from a G to A substitution at nucleotide position 1306. The alanine at codon 436 is replaced by threonine, an amino acid with similar properties. This amino acid position is well conserved in available vertebrate species. In addition, this alteration is predicted to be tolerated by in silico analysis. Missense and in-frame variants in SMARCA4 are known to cause neurodevelopmental disorders; however, such associations with rhabdoid tumor predisposition syndrome including small cell carcinoma of the ovary-hypercalcemic type (SCCOHT) are exceedingly rare (Kosho T et al. Am J Med Genet C Semin Med Genet. 2014 Sep;166C(3):262-75; Jelinic P et al. Nat Genet. 2014 May;46(5):424-6). Based on the supporting evidence, the association of this alteration with Coffin-Siris syndrome is unknown; however, the association of this alteration with rhabdoid tumor predisposition syndrome is unlikely.

Baylor Genetics
Classification: Uncertain significance for Rhabdoid tumor predisposition syndrome 2. Last evaluated: 2023-07-16. Review status: criteria provided, single submitter. Criteria: ACMG Guidelines, 2015. Collection method: clinical testing. Allele origin: unknown.

Labcorp Genetics (formerly Invitae), Labcorp
Classification: Uncertain significance for Rhabdoid tumor predisposition syndrome 2. Last evaluated: 2021-06-12. Review status: criteria provided, single submitter. Criteria: Invitae Variant Classification Sherloc (09022015). Collection method: clinical testing. Allele origin: germline.
Comment: In summary, the available evidence is currently insufficient to determine the role of this variant in disease. Therefore, it has been classified as a Variant of Uncertain Significance. Algorithms developed to predict the effect of missense changes on protein structure and function are either unavailable or do not agree on the potential impact of this missense change (SIFT: "Deleterious"; PolyPhen-2: "Benign"; Align-GVGD: "Class C0"). This sequence change replaces alanine with threonine at codon 436 of the SMARCA4 protein (p.Ala436Thr). The alanine residue is highly conserved and there is a small physicochemical difference between alanine and threonine. This variant is not present in population databases (ExAC no frequency). This variant has not been reported in the literature in individuals with SMARCA4-related conditions.